The following is an entry in ClinVar:

ClinVar aggregate classification (germline): Uncertain significance. Review status: criteria provided, multiple submitters, no conflicts (2 of 4 stars). 2 submissions from 2 submitters: Uncertain significance (2). Last evaluated 2024-10-07.

Conditions:
Autosomal recessive nonsyndromic hearing loss 28. Identifiers: Orphanet 90636, MedGen C1853276, MONDO:0012355, OMIM 609823.

Allele frequency attached by ClinVar (database versions not stated): TOPMed 0.00029.
gnomAD v4.1: 5 of 1,610,252 alleles (0.00031%); highest among the groups gnomAD compares: Admixed American, 0.0083%; no homozygotes.

Submissions (2):

GeneDx
Classification: Uncertain significance. Last evaluated: 2024-10-07. Review status: criteria provided, single submitter. Criteria: GeneDx Variant Classification Process June 2021. Collection method: clinical testing. Allele origin: germline.
Comment: In silico analysis supports that this missense variant has a deleterious effect on protein structure/function; Has not been previously published as pathogenic or benign to our knowledge

Baylor Genetics
Classification: Uncertain significance for Autosomal recessive nonsyndromic hearing loss 28. Last evaluated: 2018-01-01. Review status: criteria provided, single submitter. Criteria: ACMG Guidelines, 2015. Collection method: clinical testing. Allele origin: maternal. Affected: yes.
Comment: This variant was determined to be of uncertain significance according to ACMG Guidelines, 2015 [PMID:25741868].

NM_001039141.3(TRIOBP):c.3214C>G (p.Arg1072Gly)

Gene: TRIOBP (TRIO and F-actin binding protein; plus strand). Cytogenetic location: 22q13.1.
Variant type: single nucleotide variant.
Coding change: c.3214C>G on transcript NM_001039141.3 (MANE Select); coding-DNA position 3214, C replaced by G.
Protein change: p.Arg1072Gly; replaces arginine 1072 with glycine.
Molecular consequence: missense variant.
Genome position (GRCh38, 1-based): chr22:37,725,770, C>G. VCF-style: chr22-37725770-C-G. GRCh37 (hg19) VCF-style: chr22-38121777-C-G.
Other names: short protein forms R1072G.
Identifiers: ClinVar variation 1034394 (VCV001034394.4), dbSNP rs752019502, ClinGen allele CA10224054.